The following is an entry in ClinVar:

NM_004360.5(CDH1):c.163+1G>A

Gene: CDH1 (cadherin 1; plus strand). Cytogenetic location: 16q22.1.
Variant type: single nucleotide variant.
Coding change: c.163+1G>A on transcript NM_004360.5 (MANE Select); the canonical splice donor site of the intron after coding-DNA position 163, G replaced by A.
Molecular consequence: splice donor variant.
Genome position (GRCh38, 1-based): chr16:68,738,412, G>A. VCF-style: chr16-68738412-G-A. GRCh37 (hg19) VCF-style: chr16-68772315-G-A.
Other names: c.-1453+1G>A (NM_001317185.2); c.-1657+1G>A (NM_001317186.2); c.163+1G>A (NM_001317184.2).
Identifiers: ClinVar variation 951020 (VCV000951020.12), dbSNP rs1962463097, ClinGen allele CA396452339.

ClinVar aggregate classification (germline): Pathogenic/Likely pathogenic. Review status: criteria provided, multiple submitters, no conflicts (2 of 4 stars). 3 submissions from 3 submitters: Pathogenic (1); Likely pathogenic (2). Last evaluated 2025-12-19.

Conditions:
Hereditary diffuse gastric adenocarcinoma (HDGC). Also called: DIFFUSE GASTRIC AND LOBULAR BREAST CANCER SYNDROME. Identifiers: Orphanet 26106, MedGen C1708349, MONDO:0007648, OMIM 137215.
Hereditary cancer-predisposing syndrome. Also called: Tumor predisposition; Hereditary neoplastic syndrome; Hereditary Cancer Syndrome; Neoplastic Syndromes, Hereditary. Identifiers: Orphanet 140162, MedGen C0027672, MeSH D009386, MONDO:0015356.
Malignant tumor of breast. Also called: Malignant breast neoplasm; Cancer breast. Identifiers: MedGen C0006142, MONDO:0007254. Disease mechanism: loss of function.

Submissions (3):

Ambry Genetics
Classification: Pathogenic for Hereditary cancer-predisposing syndrome. Last evaluated: 2025-12-19. Review status: criteria provided, single submitter. Criteria: Ambry Variant Classification Scheme 2023. Collection method: clinical testing. Allele origin: germline.
Comment: The c.163+1G>A intronic pathogenic mutation results from a G to A substitution one nucleotide after coding exon 2 of the CDH1 gene. In silico splice site analysis predicts that this alteration will weaken the native splice donor site. RNA studies have demonstrated that this alteration results in abnormal splicing in the set of samples tested (Ambry internal data). The stop codon in the predicted resulting transcript occurs in the 5' end ofthe gene. As such, this alteration may escape nonsense-mediated mRNAdecay and/or be prone to rescue by reinitiation (Rivas et al. Science. 2015 May 8;348(6235):666-9; Lindeboom et al. Nat Genet. 2016 Oct;48(10):1112-8; Rhee et al. Sci Rep. 2017 May 10;7(1):1653). The exact functional effect of this alteration is unknown; however, a significant portion of the protein is affected (Ambry internal data). This variant was reported in individual(s) with features consistent with CDH1-related diffuse gastric and lobular breast cancer (DGLBC) (Ambry internal data). This variant is considered to be rare based on population cohorts in the Genome Aggregation Database (gnomAD). This nucleotide position is highly conserved in available vertebrate species. Based on the supporting evidence, this variant is interpreted as a disease-causing mutation.

Women's Health and Genetics/Laboratory Corporation of America, LabCorp
Classification: Likely pathogenic for Malignant tumor of breast. Last evaluated: 2025-10-17. Review status: criteria provided, single submitter. Criteria: LabCorp Variant Classification Summary - May 2015. Collection method: clinical testing. Allele origin: germline.
Comment: Variant summary: CDH1 c.163+1G>A is located in a canonical splice-site and is predicted to affect mRNA splicing resulting in a significantly altered protein due to either exon skipping, shortening, or inclusion of intronic material. Variants that disrupt the consensus splice site are a relatively common cause of aberrant splicing and loss of CDH1 function. Several computational tools predict a significant impact on normal splicing: Four predict the variant abolishes a 5' splicing donor site. However, these predictions have yet to be confirmed by functional studies. The variant was absent in 149510 control chromosomes. To our knowledge, no occurrence of c.163+1G>A in individuals affected with CDH1-related conditions and no experimental evidence demonstrating its impact on protein function have been reported. ClinVar contains an entry for this variant (Variation ID: 951020). Based on the evidence outlined above, the variant was classified as likely pathogenic.

Labcorp Genetics (formerly Invitae), Labcorp
Classification: Likely pathogenic for Hereditary diffuse gastric adenocarcinoma. Last evaluated: 2024-08-19. Review status: criteria provided, single submitter. Criteria: Invitae Variant Classification Sherloc (09022015). Collection method: clinical testing. Allele origin: germline.
Comment: This sequence change affects a donor splice site in intron 2 of the CDH1 gene. It is expected to disrupt RNA splicing. Variants that disrupt the donor or acceptor splice site typically lead to a loss of protein function (PMID: 16199547), and loss-of-function variants in CDH1 are known to be pathogenic (PMID: 15235021, 20373070). This variant is not present in population databases (gnomAD no frequency). This variant has not been reported in the literature in individuals affected with CDH1-related conditions. ClinVar contains an entry for this variant (Variation ID: 951020). Algorithms developed to predict the effect of sequence changes on RNA splicing suggest that this variant may disrupt the consensus splice site. In summary, the currently available evidence indicates that the variant is pathogenic, but additional data are needed to prove that conclusively. Therefore, this variant has been classified as Likely Pathogenic.

Literature cited by the submitters: PubMed 16199547 (cited by Labcorp Genetics (formerly Invitae), Labcorp); PubMed 15235021 (cited by Labcorp Genetics (formerly Invitae), Labcorp); PubMed 20373070 (cited by Labcorp Genetics (formerly Invitae), Labcorp).